The following is an entry in ClinVar:

ClinVar aggregate classification (germline): Likely benign. Review status: criteria provided, multiple submitters, no conflicts (2 of 4 stars). 4 submissions from 4 submitters: Likely benign (4). Last evaluated 2025-08-07.

Conditions:
Charcot-Marie-Tooth disease recessive intermediate C. Also called: CHARCOT-MARIE-TOOTH NEUROPATHY, RECESSIVE INTERMEDIATE C. Identifiers: Orphanet 369867, MedGen C3809309, MONDO:0014154, OMIM 615376.
Neuronopathy, distal hereditary motor, autosomal recessive 4. Also called: Autosomal recessive lower motor neuron disease with childhood onset; NEUROPATHY, DISTAL HEREDITARY MOTOR, AUTOSOMAL RECESSIVE 4. Identifiers: Orphanet 206580, MedGen C1970211, MONDO:0012608, OMIM 611067.
PLEKHG5-related disorder. Also called: PLEKHG5-related condition.

Allele frequency attached by ClinVar (database versions not stated): gnomAD 0.00005 and 0.00006; TOPMed 0.00006.
gnomAD v4.1: 110 of 1,611,930 alleles (0.0068%); highest among the groups gnomAD compares: Admixed American, 0.023%; no homozygotes.

Submissions (4):

PreventionGenetics, part of Exact Sciences
Classification: Likely benign for PLEKHG5-related condition. Last evaluated: 2025-08-07. Review status: criteria provided, single submitter. Criteria: ACMG Guidelines, 2015. Collection method: clinical testing. Allele origin: germline.
Comment: This variant is classified as likely benign based on ACMG/AMP sequence variant interpretation guidelines (Richards et al. 2015 PMID: 25741868, with internal and published modifications).

CeGaT Center for Human Genetics Tuebingen
Classification: Likely benign. Last evaluated: 2025-05-01. Review status: criteria provided, single submitter. Criteria: CeGaT Center For Human Genetics Tuebingen Variant Classification Criteria Version 2. Collection method: clinical testing. Allele origin: germline. Affected: yes. Observed: 2 variant alleles.
Comment: PLEKHG5: BP4, BP7

Labcorp Genetics (formerly Invitae), Labcorp
Classification: Likely benign for Neuronopathy, distal hereditary motor, autosomal recessive 4; Charcot-Marie-Tooth disease recessive intermediate C. Last evaluated: 2024-09-19. Review status: criteria provided, single submitter. Criteria: Invitae Variant Classification Sherloc (09022015). Collection method: clinical testing. Allele origin: germline.

ARUP Laboratories, Molecular Genetics and Genomics, ARUP Laboratories
Classification: Likely benign. Last evaluated: 2022-02-07. Review status: criteria provided, single submitter. Criteria: ARUP Molecular Germline Variant Investigation Process 2021. Collection method: clinical testing. Allele origin: germline.

NM_020631.6(PLEKHG5):c.2421G>A (p.Pro807=)

Gene: PLEKHG5 (pleckstrin homology and RhoGEF domain containing G5; minus strand). Cytogenetic location: 1p36.31.
Variant type: single nucleotide variant.
Coding change: c.2421G>A on transcript NM_020631.6 (MANE Select); coding-DNA position 2421, G replaced by A.
Protein change: p.Pro807=; no amino-acid change (proline 807 retained).
Molecular consequence: synonymous variant.
Genome position (GRCh38, 1-based): chr1:6,468,415, C>T on the plus strand (G>A on the coding strand, the complement: PLEKHG5 is on the minus strand). VCF-style: chr1-6468415-C-T. GRCh37 (hg19) VCF-style: chr1-6528475-C-T.
Other names: c.2532G>A, p.Pro844= (NM_001042663.3, NM_001265592.2); c.2421G>A, p.Pro807= (NM_001042664.2, NM_001042665.2, NM_001265594.3 and 1 more transcripts); c.2628G>A, p.Pro876= (NM_001265593.2).
Identifiers: ClinVar variation 659199 (VCV000659199.40), dbSNP rs767407997, ClinGen allele CA561164.